The following is an entry in ClinVar:

ClinVar aggregate classification (germline): Likely benign. Review status: criteria provided, single submitter (1 of 4 stars). 2 submissions from 2 submitters: Likely benign (1). 1 of the submissions does not count toward it. Last evaluated 2025-11-22.

Conditions:
DUOX2-related disorder. Also called: DUOX2-related condition.

Allele frequency attached by ClinVar (database versions not stated): gnomAD exomes 0.00002.

Submissions (2):

Labcorp Genetics (formerly Invitae), Labcorp
Classification: Likely benign. Last evaluated: 2025-11-22. Review status: criteria provided, single submitter. Criteria: Invitae Variant Classification Sherloc (09022015). Collection method: clinical testing. Allele origin: germline.

PreventionGenetics, part of Exact Sciences
Classification: Likely benign for DUOX2-related condition. Last evaluated: 2019-03-25. Review status: no assertion criteria provided. Collection method: clinical testing. Allele origin: germline. Not counted in ClinVar's aggregate classification.
Comment: This variant is classified as likely benign based on ACMG/AMP sequence variant interpretation guidelines (Richards et al. 2015 PMID: 25741868, with internal and published modifications).

NM_001363711.2(DUOX2):c.3847+9C>T

Gene: DUOX2 (dual oxidase 2; minus strand). Cytogenetic location: 15q21.1.
Variant type: single nucleotide variant.
Coding change: c.3847+9C>T on transcript NM_001363711.2 (MANE Select); 9 bases into the intron after coding-DNA position 3847, C replaced by T.
Molecular consequence: intron variant.
Genome position (GRCh38, 1-based): chr15:45,097,229, G>A on the plus strand (C>T on the coding strand, the complement: DUOX2 is on the minus strand). VCF-style: chr15-45097229-G-A. GRCh37 (hg19) VCF-style: chr15-45389427-G-A.
Other names: c.3847+9C>T (NM_014080.4, NM_014080.5).
Identifiers: ClinVar variation 2997798 (VCV002997798.5), dbSNP rs1893926815, ClinGen allele CA969349460.